The following is an entry in ClinVar:

ClinVar aggregate classification (germline): Uncertain significance (1 of 4 stars; one submission).

Submission:

Women's Health and Genetics/Laboratory Corporation of America, LabCorp
Classification: Uncertain significance. Last evaluated: 2025-06-13. Review status: criteria provided, single submitter. Criteria: LabCorp Variant Classification Summary - May 2015. Collection method: clinical testing. Allele origin: germline.
Comment: Variant summary: BRCA2 c.74G>T (p.Gly25Val) results in a non-conservative amino acid change in the encoded protein sequence. Algorithms developed to predict the effect of missense changes on protein structure and function are either unavailable or do not agree on the potential impact of this missense change. The variant was absent in 250108 control chromosomes. The available data on variant occurrences in the general population are insufficient to allow any conclusion about variant significance. To our knowledge, no occurrence of c.74G>T in individuals affected with Hereditary Breast And Ovarian Cancer Syndrome and no experimental evidence demonstrating its impact on protein function have been reported. No submitters have cited clinical-significance assessments for this variant to ClinVar. Based on the evidence outlined above, the variant was classified as uncertain significance.

NM_000059.4(BRCA2):c.74G>T (p.Gly25Val)

Gene: BRCA2 (BRCA2 DNA repair associated; plus strand). Cytogenetic location: 13q13.1.
Variant type: single nucleotide variant.
Coding change: c.74G>T on transcript NM_000059.4 (MANE Select); coding-DNA position 74, G replaced by T.
Protein change: p.Gly25Val; replaces glycine 25 with valine.
Molecular consequence: missense variant. On other transcripts: 5 prime UTR variant (1), non-coding transcript variant (1).
Genome position (GRCh38, 1-based): chr13:32,319,083, G>T. VCF-style: chr13-32319083-G-T. GRCh37 (hg19) VCF-style: chr13-32893220-G-T.
Other names: c.74G>T, p.Gly25Val (NM_001406719.1, NM_001406720.1, NM_001406721.1 and 1 more transcripts); c.-296G>T (NM_001406722.1); short protein forms G25V.
Identifiers: ClinVar variation 3907145 (VCV003907145.1).